The following is an entry in ClinVar:

NM_000059.4(BRCA2):c.7618-250G>A

Gene: BRCA2 (BRCA2 DNA repair associated; plus strand). Cytogenetic location: 13q13.1.
Variant type: single nucleotide variant.
Coding change: c.7618-250G>A on transcript NM_000059.4 (MANE Select); 250 bases into the intron before coding-DNA position 7618, G replaced by A.
Molecular consequence: intron variant.
Genome position (GRCh38, 1-based): chr13:32,357,492, G>A. VCF-style: chr13-32357492-G-A. GRCh37 (hg19) VCF-style: chr13-32931629-G-A.
Other names: IVS 15-250G>A.
Identifiers: ClinVar variation 209759 (VCV000209759.1), dbSNP rs142832766, ClinGen allele CA276727.

ClinVar aggregate classification (germline): Benign (3 of 4 stars; one submission).

Conditions:
Breast-ovarian cancer, familial, susceptibility to, 2 (BROVCA2). Also called: BRCA2 Hereditary Breast and Ovarian Cancer. Identifiers: Orphanet 145, MedGen C2675520, MONDO:0012933, OMIM 612555. Disease mechanism: loss of function.

Allele frequency attached by ClinVar (database versions not stated): gnomAD 0.00140 and 0.00144; TOPMed 0.00153; 1000 Genomes Project 0.00280; 1000 Genomes Project 30x 0.00297.
gnomAD v4.1: 210 of 152,234 alleles (0.14%); highest among the groups gnomAD compares: African/African-American, 0.47%; no homozygotes.

Submission:

Evidence-based Network for the Interpretation of Germline Mutant Alleles (ENIGMA)
Classification: Benign for Breast-ovarian cancer, familial 2. Last evaluated: 2015-01-12. Review status: reviewed by expert panel. Criteria: ENIGMA BRCA1/2 Classification Criteria (2015). Collection method: curation. Allele origin: germline.
Comment: Class 1 not pathogenic based on frequency >1% in an outbred sampleset. Frequency 0.0122 (African), derived from 1000 genomes (2012-04-30).